The following is an entry in ClinVar:

NM_004483.5(GCSH):c.425-1G>T

Gene: GCSH (glycine cleavage system protein H; minus strand). Cytogenetic location: 16q23.2.
Variant type: single nucleotide variant.
Coding change: c.425-1G>T on transcript NM_004483.5 (MANE Select); the canonical splice acceptor site of the intron before coding-DNA position 425, G replaced by T.
Molecular consequence: splice acceptor variant.
Genome position (GRCh38, 1-based): chr16:81,082,964, C>A on the plus strand (G>T on the coding strand, the complement: GCSH is on the minus strand). VCF-style: chr16-81082964-C-A. GRCh37 (hg19) VCF-style: chr16-81116569-C-A.
Identifiers: ClinVar variation 56415 (VCV000056415.2), dbSNP rs386833859, ClinGen allele CA263872.

ClinVar aggregate classification (germline): Likely pathogenic (0 of 4 stars; one submission).

Conditions:
Glycine encephalopathy. Also called: Nonketotic hyperglycinemia; Non-ketotic hyperglycinemia. Identifiers: Orphanet 407, MedGen C0751748, MONDO:0011612, HP:0008288.

Allele frequency attached by ClinVar (database versions not stated): TOPMed below 0.00001.
gnomAD v4.1: 2 of 1,574,556 alleles (0.00013%); highest among the groups gnomAD compares: East Asian, 0.0045%; no homozygotes.

Submission:

Juha Muilu Group; Institute for Molecular Medicine Finland (FIMM)
Classification: Likely pathogenic for Non-ketotic hyperglycinemia. Review status: no assertion criteria provided. Collection method: not provided. Allele origin: unknown.
Comment: FinDis database variant: This variant was not found or characterized by our laboratory, data were collected from public sources: see reference
ClinVar note: Converted during submission from probable-pathogenic to Likely pathogenic.